The following is an entry in ClinVar:

ClinVar aggregate classification (germline): Uncertain significance. Review status: criteria provided, multiple submitters, no conflicts (2 of 4 stars). 2 submissions from 2 submitters: Uncertain significance (2). Last evaluated 2024-09-20.

Conditions:
Epilepsy. Also called: Seizure disorder. Identifiers: MedGen C0014544, MeSH D004827, MONDO:0005027.
Inborn genetic diseases. Identifiers: MedGen C0950123, MeSH D030342.

Allele frequency attached by ClinVar (database versions not stated): gnomAD exomes 0.00005 and 0.00006; ESP Exome Variant Server 0.00015; gnomAD 0.00016; TOPMed 0.00025; 1000 Genomes Project 0.00060; 1000 Genomes Project 30x 0.00062; ExAC 0.00005.

Submissions (2):

Ambry Genetics
Classification: Uncertain significance for Inborn genetic diseases. Last evaluated: 2024-09-20. Review status: criteria provided, single submitter. Criteria: Ambry Variant Classification Scheme 2023. Collection method: clinical testing. Allele origin: germline.

Labcorp Genetics (formerly Invitae), Labcorp
Classification: Uncertain significance for Epilepsy. Last evaluated: 2022-08-09. Review status: criteria provided, single submitter. Criteria: Invitae Variant Classification Sherloc (09022015). Collection method: clinical testing. Allele origin: germline.
Comment: This sequence change replaces arginine, which is basic and polar, with glutamine, which is neutral and polar, at codon 112 of the PIGQ protein (p.Arg112Gln). This variant is present in population databases (rs200272055, gnomAD 0.06%). This variant has not been reported in the literature in individuals affected with PIGQ-related conditions. ClinVar contains an entry for this variant (Variation ID: 526268). Algorithms developed to predict the effect of missense changes on protein structure and function output the following: SIFT: "Tolerated"; PolyPhen-2: "Benign"; Align-GVGD: "Class C0". The glutamine amino acid residue is found in multiple mammalian species, which suggests that this missense change does not adversely affect protein function. In summary, the available evidence is currently insufficient to determine the role of this variant in disease. Therefore, it has been classified as a Variant of Uncertain Significance.

NM_004204.5(PIGQ):c.335G>A (p.Arg112Gln)

Gene: PIGQ (phosphatidylinositol glycan anchor biosynthesis class Q; plus strand). Cytogenetic location: 16p13.3.
Variant type: single nucleotide variant.
Coding change: c.335G>A on transcript NM_004204.5 (MANE Select); coding-DNA position 335, G replaced by A.
Protein change: p.Arg112Gln; replaces arginine 112 with glutamine.
Molecular consequence: missense variant.
Genome position (GRCh38, 1-based): chr16:574,409, G>A. VCF-style: chr16-574409-G-A. GRCh37 (hg19) VCF-style: chr16-624409-G-A.
Other names: c.335G>A (NM_148920.1); c.335G>A, p.Arg112Gln (NM_148920.4); short protein forms R112Q.
Identifiers: ClinVar variation 526268 (VCV000526268.8), dbSNP rs200272055, ClinGen allele CA7779843.